The following is an entry in ClinVar:

NM_058246.4(DNAJB6):c.692-26CT[6]

Gene: DNAJB6 (DnaJ heat shock protein family (Hsp40) member B6; plus strand). Cytogenetic location: 7q36.3.
Variant type: Microsatellite.
Coding change: c.692-26CT[6] on transcript NM_058246.4 (MANE Select); six copies in a row of the 2-base unit CT starting at c.692-26.
Molecular consequence: intron variant.
Genome position: GRCh38 VCF-style: chr7-157409768-G-GCT. GRCh37 (hg19) VCF-style: chr7-157202462-G-GCT.
Other names: c.692-17_692-16dupTC (NM_058246.3); c.347-26CT[6] (NM_001363676.1).
Identifiers: ClinVar variation 422772 (VCV000422772.1), dbSNP rs945781215, ClinGen allele CA16618445.

ClinVar aggregate classification (germline): Likely benign (1 of 4 stars; one submission).

Submission:

GeneDx
Classification: Likely benign. Last evaluated: 2016-12-06. Review status: criteria provided, single submitter. Criteria: GeneDx Variant Classification (06012015). Collection method: clinical testing. Allele origin: germline. Affected: yes.
Comment: This variant is considered likely benign or benign based on one or more of the following criteria: it is a conservative change, it occurs at a poorly conserved position in the protein, it is predicted to be benign by multiple in silico algorithms, and/or has population frequency not consistent with disease.